The following is an entry in ClinVar:

NM_006218.4(PIK3CA):c.2555G>A (p.Arg852Gln)

Gene: PIK3CA (phosphatidylinositol-4,5-bisphosphate 3-kinase catalytic subunit alpha; plus strand). Cytogenetic location: 3q26.32.
Variant type: single nucleotide variant.
Coding change: c.2555G>A on transcript NM_006218.4 (MANE Select); coding-DNA position 2555, G replaced by A.
Protein change: p.Arg852Gln; replaces arginine 852 with glutamine.
Molecular consequence: missense variant.
Genome position (GRCh38, 1-based): chr3:179,229,331, G>A. VCF-style: chr3-179229331-G-A. GRCh37 (hg19) VCF-style: chr3-178947119-G-A.
Other names: short protein forms R852Q.
Identifiers: ClinVar variation 1355477 (VCV001355477.8), dbSNP rs199943173, ClinGen allele CA88534194.

ClinVar aggregate classification (germline): Uncertain significance (1 of 4 stars; one submission).

Conditions:
Cowden syndrome (CS). Also called: Cowden's disease; Cowden's syndrome; Cowden disease. Identifiers: Orphanet 201, MedGen C0018553, MONDO:0016063. Disease mechanism: gain of function.

Allele frequency attached by ClinVar (database versions not stated): gnomAD exomes 0.00001 and below 0.00001; gnomAD 0.00001; TOPMed 0.00001.
gnomAD v4.1: 12 of 1,613,108 alleles (0.00074%); highest among the groups gnomAD compares: Non-Finnish European, 0.00085%; no homozygotes.

Submission:

Labcorp Genetics (formerly Invitae), Labcorp
Classification: Uncertain significance for Cowden syndrome. Last evaluated: 2021-06-14. Review status: criteria provided, single submitter. Criteria: Invitae Variant Classification Sherloc (09022015). Collection method: clinical testing. Allele origin: germline.
Comment: This sequence change replaces arginine with glutamine at codon 852 of the PIK3CA protein (p.Arg852Gln). The arginine residue is highly conserved and there is a small physicochemical difference between arginine and glutamine. This variant is not present in population databases (ExAC no frequency). This variant has not been reported in the literature in individuals with PIK3CA-related conditions. Algorithms developed to predict the effect of missense changes on protein structure and function (SIFT, PolyPhen-2, Align-GVGD) all suggest that this variant is likely to be tolerated, but these predictions have not been confirmed by published functional studies and their clinical significance is uncertain. In summary, the available evidence is currently insufficient to determine the role of this variant in disease. Therefore, it has been classified as a Variant of Uncertain Significance.